The following is an entry in ClinVar:

ClinVar aggregate classification (germline): Benign/Likely benign. Review status: criteria provided, multiple submitters, no conflicts (2 of 4 stars). 20 submissions from 19 submitters: Benign (11); Likely benign (7). 2 of the submissions do not count toward it. Last evaluated 2026-10-01.

Conditions:
Isolated focal cortical dysplasia type II (FCORD2). Also called: CORTICAL DYSPLASIA OF TAYLOR; Focal cortical dysplasia type II. Identifiers: Orphanet 268994, MedGen C1846385, MONDO:0011818, OMIM 607341, HP:0032051.
Lymphangiomyomatosis (LAM). Also called: Lymphangioleiomyomatosis, somatic; Lymphangioleiomyomatosis. Identifiers: Orphanet 538, MedGen C0751674, MONDO:0011705, OMIM 606690.
Tuberous sclerosis 1 (TSC1). Identifiers: Orphanet 805, MedGen C1854465, MONDO:0008612, OMIM 191100.
Hereditary cancer-predisposing syndrome. Also called: Neoplastic Syndromes, Hereditary; Tumor predisposition; Hereditary neoplastic syndrome; Hereditary Cancer Syndrome. Identifiers: Orphanet 140162, MedGen C0027672, MeSH D009386, MONDO:0015356.
Tuberous sclerosis syndrome (TSC). Also called: Tuberous Sclerosis Complex; Tuberous sclerosis. Identifiers: Orphanet 805, MedGen C0041341, MONDO:0001734.

Allele frequency attached by ClinVar (database versions not stated): gnomAD 0.00030 and 0.00031; ExAC 0.00035; 1000 Genomes Project 0.00040; gnomAD exomes 0.00042; TOPMed 0.00043; ESP Exome Variant Server 0.00046; 1000 Genomes Project 30x 0.00047.
gnomAD v4.1: 542 of 1,614,114 alleles (0.034%); highest among the groups gnomAD compares: Middle Eastern, 0.13%; 3 homozygotes.

Submissions (20):

CeGaT Center for Human Genetics Tuebingen
Classification: Likely benign. Last evaluated: 2026-10-01. Review status: criteria provided, single submitter. Criteria: CeGaT Center For Human Genetics Tuebingen Variant Classification Criteria Version 2. Collection method: clinical testing. Allele origin: germline. Affected: yes. Observed: 34 variant alleles.
Comment: TSC1: BP4, BP7, BS1

Labcorp Genetics (formerly Invitae), Labcorp
Classification: Benign for Tuberous sclerosis 1. Last evaluated: 2026-01-29. Review status: criteria provided, single submitter. Criteria: Invitae Variant Classification Sherloc (09022015). Collection method: clinical testing. Allele origin: germline.

Myriad Genetics, Inc.
Classification: Benign for Tuberous sclerosis 1. Last evaluated: 2025-04-10. Review status: criteria provided, single submitter. Criteria: Myriad Autosomal Dominant, Autosomal Recessive and X-Linked Classification Criteria (2023). Collection method: clinical testing. Allele origin: unknown.
Comment: This variant is considered benign. This variant is a silent/synonymous amino acid change and it is not expected to impact splicing.

Laboratory of Genetics, Children's Clinical University Hospital Latvia
Classification: Likely benign. Last evaluated: 2025-02-16. Review status: criteria provided, single submitter. Criteria: ACMG Guidelines, 2015. Collection method: clinical testing. Allele origin: germline. Affected: yes.

Athena Diagnostics
Classification: Benign. Last evaluated: 2025-02-10. Review status: criteria provided, single submitter. Criteria: Athena Diagnostics Criteria. Collection method: clinical testing. Allele origin: unknown.
Comment: The frequency of this variant in the general population is higher than would generally be expected for pathogenic variants in this gene. Computational tools yielded predictions that this variant is unlikely to have an effect on normal RNA splicing. This nucleotide position exhibits low evolutionary conservation.

Mayo Clinic Laboratories, Mayo Clinic
Classification: Benign. Last evaluated: 2025-02-10. Review status: criteria provided, single submitter. Criteria: ACMG Guidelines, 2015. Collection method: clinical testing. Allele origin: germline. Observed: 1 variant allele.
Comment: BS1, BS2, BP4, BP7

Blueprint Genetics
Classification: Likely benign. Last evaluated: 2024-11-08. Review status: criteria provided, single submitter. Criteria: ACMG Guidelines, 2015. Collection method: clinical testing. Allele origin: germline.

Department of Pathology and Laboratory Medicine, Sinai Health System
Classification: Likely benign for Tuberous sclerosis 1; Lymphangiomyomatosis; Isolated focal cortical dysplasia type II. Last evaluated: 2024-06-21. Review status: criteria provided, single submitter. Criteria: ACMG Guidelines, 2015. Collection method: clinical testing. Allele origin: germline. Affected: yes.

Color Diagnostics, LLC DBA Color Health
Classification: Benign for Tuberous sclerosis syndrome. Last evaluated: 2022-10-09. Review status: criteria provided, single submitter. Criteria: ACMG Guidelines, 2015. Collection method: clinical testing. Allele origin: germline.

Women's Health and Genetics/Laboratory Corporation of America, LabCorp
Classification: Benign. Last evaluated: 2022-07-14. Review status: criteria provided, single submitter. Criteria: LabCorp Variant Classification Summary - May 2015. Collection method: clinical testing. Allele origin: germline.

Genome-Nilou Lab
Classification: Benign for Tuberous sclerosis 1. Last evaluated: 2021-11-07. Review status: criteria provided, single submitter. Criteria: ACMG Guidelines, 2015. Collection method: clinical testing. Allele origin: germline. Affected: no.

Sema4
Classification: Benign for Hereditary cancer-predisposing syndrome. Last evaluated: 2020-09-15. Review status: criteria provided, single submitter. Criteria: Sema4 Curation Guidelines. Collection method: curation. Allele origin: germline.

ARUP Laboratories, Molecular Genetics and Genomics, ARUP Laboratories
Classification: Benign. Last evaluated: 2018-10-23. Review status: criteria provided, single submitter. Criteria: ARUP Molecular Germline Variant Investigation Process. Collection method: clinical testing. Allele origin: germline.

Illumina Laboratory Services, Illumina
Classification: Likely benign for Tuberous sclerosis 1. Last evaluated: 2018-01-13. Review status: criteria provided, single submitter. Criteria: ICSL Variant Classification Criteria 13 December 2019. Collection method: clinical testing. Allele origin: germline.
Comment: This variant was observed in the ICSL laboratory as part of a predisposition screen in an ostensibly healthy population. It had not been previously curated by ICSL or reported in the Human Gene Mutation Database (HGMD: prior to June 1st, 2018), and was therefore a candidate for classification through an automated scoring system. Utilizing variant allele frequency, disease prevalence and penetrance estimates, and inheritance mode, an automated score was calculated to assess if this variant is too frequent to cause the disease. Based on the score and internal cut-off values, a variant classified as likely benign is not then subjected to further curation. The score for this variant resulted in a classification of likely benign for this disease.

Illumina Laboratory Services, Illumina
Classification: Benign for Isolated focal cortical dysplasia type II. Last evaluated: 2018-01-13. Review status: criteria provided, single submitter. Criteria: ICSL Variant Classification Criteria 13 December 2019. Collection method: clinical testing. Allele origin: germline.
Comment: This variant was observed in the ICSL laboratory as part of a predisposition screen in an ostensibly healthy population. It had not been previously curated by ICSL or reported in the Human Gene Mutation Database (HGMD: prior to June 1st, 2018), and was therefore a candidate for classification through an automated scoring system. Utilizing variant allele frequency, disease prevalence and penetrance estimates, and inheritance mode, an automated score was calculated to assess if this variant is too frequent to cause the disease. Based on the score and internal cut-off values, a variant classified as benign is not then subjected to further curation. The score for this variant resulted in a classification of benign for this disease.

Eurofins Ntd Llc (ga)
Classification: Likely benign. Last evaluated: 2017-04-25. Review status: criteria provided, single submitter. Criteria: EGL Classification Definitions 2015. Collection method: clinical testing. Allele origin: germline. Observed: 1 variant allele, 1 heterozygote.

Ambry Genetics
Classification: Likely benign for Hereditary cancer-predisposing syndrome. Last evaluated: 2014-11-18. Review status: criteria provided, single submitter. Criteria: Ambry Variant Classification Scheme 2023. Collection method: clinical testing. Allele origin: germline.

GeneDx
Classification: Benign. Last evaluated: 2013-04-18. Review status: criteria provided, single submitter. Criteria: GeneDx Variant Classification (06012015). Collection method: clinical testing. Allele origin: germline. Affected: yes.
Comment: This variant is considered likely benign or benign based on one or more of the following criteria: it is a conservative change, it occurs at a poorly conserved position in the protein, it is predicted to be benign by multiple in silico algorithms, and/or has population frequency not consistent with disease.

Clinical Genetics DNA and cytogenetics Diagnostics Lab, Erasmus MC, Erasmus Medical Center
Classification: Likely benign. Review status: no assertion criteria provided. Collection method: clinical testing. Allele origin: germline. Affected: yes. Study: VKGL Data-share Consensus. Not counted in ClinVar's aggregate classification.

Clinical Genetics, Academic Medical Center
Classification: Likely benign. Review status: no assertion criteria provided. Collection method: clinical testing. Allele origin: germline. Affected: yes. Study: VKGL Data-share Consensus. Not counted in ClinVar's aggregate classification.

NM_000368.5(TSC1):c.1977G>A (p.Ala659=)

Gene: TSC1 (TSC complex subunit 1; minus strand). Cytogenetic location: 9q34.13.
Variant type: single nucleotide variant.
Coding change: c.1977G>A on transcript NM_000368.5 (MANE Select); coding-DNA position 1977, G replaced by A.
Protein change: p.Ala659=; no amino-acid change (alanine 659 retained).
Molecular consequence: synonymous variant.
Genome position (GRCh38, 1-based): chr9:132,905,601, C>T on the plus strand (G>A on the coding strand, the complement: TSC1 is on the minus strand). VCF-style: chr9-132905601-C-T. GRCh37 (hg19) VCF-style: chr9-135780988-C-T.
Other names: p.A659A:GCG>GCA; p.Ala659=; c.1974G>A, p.Ala658= (NM_001162426.2); c.1824G>A, p.Ala608= (NM_001162427.2); c.1614G>A, p.Ala538= (NM_001362177.2).
Identifiers: ClinVar variation 137731 (VCV000137731.80), dbSNP rs35958226, ClinGen allele CA005699.